The following is an entry in ClinVar:

ClinVar aggregate classification (germline): Pathogenic (1 of 4 stars; one submission).

Conditions:
Pendred syndrome (PDS). Also called: DEAFNESS WITH GOITER; GOITER-DEAFNESS SYNDROME; HYPOTHYROIDISM, CONGENITAL, DUE TO DYSHORMONOGENESIS, 2B; THYROID DYSHORMONOGENESIS 2B; THYROID HORMONOGENESIS, GENETIC DEFECT IN, 2B; Pendred's syndrome. Identifiers: Orphanet 705, MedGen C0271829, MONDO:0010134, OMIM 274600.

Submission:

Myriad Genetics, Inc.
Classification: Pathogenic for Pendred syndrome. Last evaluated: 2023-09-22. Review status: criteria provided, single submitter. Criteria: Myriad Autosomal Dominant, Autosomal Recessive and X-Linked Classification Criteria (2023). Collection method: clinical testing. Allele origin: unknown.
Comment: NM_000441.1(SLC26A4):c.903_905delTATinsAA(I302Kfs*3) is expected to be pathogenic in the context of Pendred syndrome. This variant is predicted to lead to an abnormal or absent protein product due to the creation of a premature termination codon in SLC26A4, a gene where loss-of-function variants are known to be pathogenic. Please note: this variant was assessed in the context of healthy population screening.

NM_000441.2(SLC26A4):c.903_905delinsAA (p.Ile302fs)

Gene: SLC26A4 (solute carrier family 26 member 4; plus strand). Cytogenetic location: 7q22.3.
Variant type: Indel.
Coding change: c.903_905delinsAA on transcript NM_000441.2 (MANE Select); coding-DNA positions 903 to 905, TAT replaced by AA.
Protein change: p.Ile302fs; shifts the reading frame from isoleucine 302.
Molecular consequence: frameshift variant.
Genome position (GRCh38, 1-based): chr7:107,683,339-107,683,341, TAT replaced by AA. VCF-style: chr7-107683339-TAT-AA. GRCh37 (hg19) VCF-style: chr7-107323784-TAT-AA.
Other names: short protein forms I302fs.
Identifiers: ClinVar variation 5011721 (VCV005011721.1).
Genomic context (GRCh38, chr7:107,683,339, plus strand): 5'-CTGTATGGCAGTTAAGGAATTAAATGATCGGTTTAGACACAAAATCCCAGTCCCTATTCC[TAT>AA]AGAAGTAATTGTGGTAAGTAGAATATGTAGTTAGAAAGTTCAGCATTATTTGGTTGACAA-3'